The following is an entry in ClinVar:

ClinVar aggregate classification (germline): Uncertain significance. Review status: criteria provided, multiple submitters, no conflicts (2 of 4 stars). 2 submissions from 2 submitters: Uncertain significance (2). Last evaluated 2022-03-23.

Allele frequency attached by ClinVar (database versions not stated): ExAC 0.00001; gnomAD 0.00001; gnomAD exomes 0.00002; TOPMed 0.00002; ESP Exome Variant Server 0.00008.

Submissions (2):

Laboratory for Molecular Medicine, Mass General Brigham Personalized Medicine
Classification: Uncertain significance. Last evaluated: 2022-03-23. Review status: criteria provided, single submitter. Criteria: ACMG Guidelines, 2015. Collection method: clinical testing. Allele origin: germline.
Comment: The p.Arg694Cys variant in OTOGL has not been previously reported in individuals with hearing loss but has been identified in 0.015% (3/19532) of East Asian chromosomes by gnomAD. Computational prediction tools and conservation analyses suggest that this variant may impact the protein, though this information is not predictive enough to determine pathogenicity. In summary, the clinical significance of this variant is uncertain. ACMG/AMP Criteria applied: PM2_P, PP3.

Labcorp Genetics (formerly Invitae), Labcorp
Classification: Uncertain significance. Last evaluated: 2021-07-03. Review status: criteria provided, single submitter. Criteria: Invitae Variant Classification Sherloc (09022015). Collection method: clinical testing. Allele origin: germline.
Comment: This variant has not been reported in the literature in individuals affected with OTOGL-related conditions. In summary, the available evidence is currently insufficient to determine the role of this variant in disease. Therefore, it has been classified as a Variant of Uncertain Significance. Algorithms developed to predict the effect of missense changes on protein structure and function are either unavailable or do not agree on the potential impact of this missense change (SIFT: "Deleterious"; PolyPhen-2: "Probably Damaging"; Align-GVGD: "Class C0"). This variant is present in population databases (rs371921352, ExAC 0.001%). This sequence change replaces arginine with cysteine at codon 694 of the OTOGL protein (p.Arg694Cys). The arginine residue is highly conserved and there is a large physicochemical difference between arginine and cysteine.

NM_001378609.3(OTOGL):c.2107C>T (p.Arg703Cys)

Gene: OTOGL (otogelin like; plus strand). Cytogenetic location: 12q21.31.
Variant type: single nucleotide variant.
Coding change: c.2107C>T on transcript NM_001378609.3 (MANE Select); coding-DNA position 2107, C replaced by T.
Protein change: p.Arg703Cys; replaces arginine 703 with cysteine.
Molecular consequence: missense variant.
Genome position (GRCh38, 1-based): chr12:80,265,093, C>T. VCF-style: chr12-80265093-C-T. GRCh37 (hg19) VCF-style: chr12-80658873-C-T.
Other names: c.2107C>T, p.Arg703Cys (NM_001368062.3, NM_001378610.3, NM_173591.7); short protein forms R703C.
Identifiers: ClinVar variation 1414539 (VCV001414539.9), dbSNP rs371921352, ClinGen allele CA6700665.
Genomic context (GRCh38, chr12:80,265,093, plus strand): 5'-CAGGAGCTCTTTGCTCCTTGCCACATCTATATTAGCCCTGGGCTGTACTATCAGCTATGC[C>T]GCCACGATGCATGCAAGTGTGGAAGCTCCTGCCTGTGCAATGCTCTTGCCCACTATGCCT-3'
Protein context (NP_001365538.2, residues 693-713): ISPGLYYQLC[Arg703Cys]HDACKCGSSC